The following is an entry in ClinVar:

NM_015340.4(LARS2):c.1027A>G (p.Thr343Ala)

Genes: LARS2 (leucyl-tRNA synthetase 2, mitochondrial; plus strand), LARS2-AS1 (LARS2 antisense RNA 1; minus strand). Cytogenetic location: 3p21.31.
Variant type: single nucleotide variant.
Coding change: c.1027A>G on transcript NM_015340.4 (MANE Select); coding-DNA position 1027, A replaced by G.
Protein change: p.Thr343Ala; replaces threonine 343 with alanine.
Molecular consequence: missense variant.
Genome position (GRCh38, 1-based): chr3:45,485,700, A>G. VCF-style: chr3-45485700-A-G. GRCh37 (hg19) VCF-style: chr3-45527192-A-G.
Other names: c.1027A>G, p.Thr343Ala (NM_001368263.1); c.1027A>G (NM_015340.3); short protein forms T343A.
Identifiers: ClinVar variation 1911570 (VCV001911570.4), dbSNP rs1306681916, ClinGen allele CA352424248.

ClinVar aggregate classification (germline): Uncertain significance. Review status: criteria provided, multiple submitters, no conflicts (2 of 4 stars). 2 submissions from 2 submitters: Uncertain significance (2). Last evaluated 2024-10-01.

Conditions:
Inborn genetic diseases. Identifiers: MedGen C0950123, MeSH D030342.

Allele frequency attached by ClinVar (database versions not stated): gnomAD exomes below 0.00001; TOPMed below 0.00001; gnomAD 0.00001.
gnomAD v4.1: 3 of 1,600,180 alleles (0.00019%); highest among the groups gnomAD compares: Admixed American, 0.0035%; no homozygotes.

Submissions (2):

Ambry Genetics
Classification: Uncertain significance for Inborn genetic diseases. Last evaluated: 2024-10-01. Review status: criteria provided, single submitter. Criteria: Ambry Variant Classification Scheme 2023. Collection method: clinical testing. Allele origin: germline.

Labcorp Genetics (formerly Invitae), Labcorp
Classification: Uncertain significance. Last evaluated: 2022-08-22. Review status: criteria provided, single submitter. Criteria: Invitae Variant Classification Sherloc (09022015). Collection method: clinical testing. Allele origin: germline.
Comment: In summary, the available evidence is currently insufficient to determine the role of this variant in disease. Therefore, it has been classified as a Variant of Uncertain Significance. Algorithms developed to predict the effect of missense changes on protein structure and function are either unavailable or do not agree on the potential impact of this missense change (SIFT: "Tolerated"; PolyPhen-2: "Possibly Damaging"; Align-GVGD: "Class C0"). This variant has not been reported in the literature in individuals affected with LARS2-related conditions. This variant is not present in population databases (gnomAD no frequency). This sequence change replaces threonine, which is neutral and polar, with alanine, which is neutral and non-polar, at codon 343 of the LARS2 protein (p.Thr343Ala).